The following is an entry in ClinVar:

ClinVar aggregate classification (germline): Conflicting classifications of pathogenicity. Review status: criteria provided, conflicting classifications (1 of 4 stars). 9 submissions from 9 submitters: Uncertain significance (5); Likely benign (1). 3 of the submissions do not count toward it. Last evaluated 2026-01-23.

Conditions:
IRF7-related disorder. Also called: IRF7-related condition.
Immunodeficiency 39 (IMD39). Identifiers: Orphanet 574918, MedGen C4225358, MONDO:0014597, OMIM 616345.

Allele frequency attached by ClinVar (database versions not stated): 1000 Genomes Project 30x 0.00031; 1000 Genomes Project 0.00040; ESP Exome Variant Server 0.00041; gnomAD 0.00043 and 0.00046; gnomAD exomes 0.00045 and 0.00066; TOPMed 0.00052; ExAC 0.00103.
gnomAD v4.1: 755 of 1,544,066 alleles (0.049%); highest among the groups gnomAD compares: Middle Eastern, 1.5%; 5 homozygotes.

Submissions (9):

Labcorp Genetics (formerly Invitae), Labcorp
Classification: Uncertain significance for Immunodeficiency 39. Last evaluated: 2026-01-23. Review status: criteria provided, single submitter. Criteria: Invitae Variant Classification Sherloc (09022015). Collection method: clinical testing. Allele origin: germline.
Comment: This sequence change replaces arginine, which is basic and polar, with glutamine, which is neutral and polar, at codon 144 of the IRF7 protein (p.Arg144Gln). This variant is present in population databases (rs201036875, gnomAD 0.2%), and has an allele count higher than expected for a pathogenic variant. This variant has not been reported in the literature in individuals affected with IRF7-related conditions. ClinVar contains an entry for this variant (Variation ID: 573866). An algorithm developed to predict the effect of missense changes on protein structure and function (PolyPhen-2) suggests that this variant is likely to be disruptive. In summary, the available evidence is currently insufficient to determine the role of this variant in disease. Therefore, it has been classified as a Variant of Uncertain Significance.

Blueprint Genetics
Classification: Likely benign. Last evaluated: 2024-11-21. Review status: criteria provided, single submitter. Criteria: ACMG Guidelines, 2015. Collection method: clinical testing. Allele origin: germline.

Fulgent Genetics
Classification: Uncertain significance for Immunodeficiency 39. Last evaluated: 2022-03-18. Review status: criteria provided, single submitter. Criteria: ACMG Guidelines, 2015. Collection method: clinical testing. Allele origin: unknown.

Center for Genomics, Ann and Robert H. Lurie Children's Hospital of Chicago
Classification: Uncertain significance for Immunodeficiency 39. Last evaluated: 2022-03-02. Review status: criteria provided, single submitter. Criteria: ACMG Guidelines, 2015. Collection method: clinical testing. Allele origin: germline.
Comment: IRF7 NM_004031.2 exon 2 p.Arg144Gln (c.431G>A): This variant has not been reported in the literature but is present in 0.1% (20/15292) of Latino alleles in the Genome Aggregation Database. This variant is present in ClinVar (Variation ID:573866). Evolutionary conservation and computational predictive tools suggest that this variant may not impact the protein. In summary, data on this variant is insufficient for disease classification. Therefore, the clinical significance of this variant is uncertain.

Ambry Genetics
Classification: Uncertain significance. Last evaluated: 2021-10-22. Review status: criteria provided, single submitter. Criteria: Ambry Variant Classification Scheme 2023. Collection method: clinical testing. Allele origin: germline.

Breakthrough Genomics
Classification: Uncertain significance. Review status: criteria provided, single submitter. Criteria: ACMG Guidelines, 2015. Collection method: not provided. Allele origin: germline. Inheritance: Autosomal recessive inheritance. Affected: yes.

PreventionGenetics, part of Exact Sciences
Classification: Likely benign for IRF7-related condition. Last evaluated: 2022-02-03. Review status: no assertion criteria provided. Collection method: clinical testing. Allele origin: germline. Not counted in ClinVar's aggregate classification.
Comment: This variant is classified as likely benign based on ACMG/AMP sequence variant interpretation guidelines (Richards et al. 2015 PMID: 25741868, with internal and published modifications).

Clinical Genetics DNA and cytogenetics Diagnostics Lab, Erasmus MC, Erasmus Medical Center
Classification: Likely benign. Review status: no assertion criteria provided. Collection method: clinical testing. Allele origin: germline. Affected: yes. Study: VKGL Data-share Consensus. Not counted in ClinVar's aggregate classification.

Genome Diagnostics Laboratory, University Medical Center Utrecht
Classification: Likely benign. Review status: no assertion criteria provided. Collection method: clinical testing. Allele origin: germline. Affected: yes. Study: VKGL Data-share Consensus. Not counted in ClinVar's aggregate classification.

NM_001572.5(IRF7):c.392G>A (p.Arg131Gln)

Gene: IRF7 (interferon regulatory factor 7; minus strand). Cytogenetic location: 11p15.5.
Variant type: single nucleotide variant.
Coding change: c.392G>A on transcript NM_001572.5 (MANE Select); coding-DNA position 392, G replaced by A.
Protein change: p.Arg131Gln; replaces arginine 131 with glutamine.
Molecular consequence: missense variant.
Genome position (GRCh38, 1-based): chr11:614,799, C>T on the plus strand (G>A on the coding strand, the complement: IRF7 is on the minus strand). VCF-style: chr11-614799-C-T. GRCh37 (hg19) VCF-style: chr11-614799-C-T.
Other names: c.392G>A, p.Arg131Gln (LRG_1313t1, NM_004029.4); c.431G>A, p.Arg144Gln (NM_004031.4); short protein forms R131Q, R144Q.
Identifiers: ClinVar variation 573866 (VCV000573866.18), dbSNP rs201036875, ClinGen allele CA5783982.